The following is an entry in ClinVar:

ClinVar aggregate classification (germline): Uncertain significance. Review status: criteria provided, multiple submitters, no conflicts (2 of 4 stars). 3 submissions from 3 submitters: Uncertain significance (3). Last evaluated 2025-12-28.

Conditions:
Hypertrophic cardiomyopathy. Also called: HYPERTROPHIC MYOCARDIOPATHY. Identifiers: Orphanet 217569, MedGen C0007194, MeSH D002312, MONDO:0005045, HP:0001639.

Submissions (3):

GeneDx
Classification: Uncertain significance. Last evaluated: 2025-12-28. Review status: criteria provided, single submitter. Criteria: GeneDx Variant Classification Process June 2021. Collection method: clinical testing. Allele origin: germline.
Comment: Not observed at significant frequency in large population cohorts (gnomAD); In silico analysis supports that this missense variant has a deleterious effect on protein structure/function; Has not been previously published as pathogenic or benign to our knowledge

Blueprint Genetics
Classification: Uncertain significance. Last evaluated: 2022-01-25. Review status: criteria provided, single submitter. Criteria: ACMG Guidelines, 2015. Collection method: clinical testing. Allele origin: germline.

Labcorp Genetics (formerly Invitae), Labcorp
Classification: Uncertain significance for Hypertrophic cardiomyopathy. Last evaluated: 2021-12-09. Review status: criteria provided, single submitter. Criteria: Invitae Variant Classification Sherloc (09022015). Collection method: clinical testing. Allele origin: germline.
Comment: In summary, the available evidence is currently insufficient to determine the role of this variant in disease. Therefore, it has been classified as a Variant of Uncertain Significance. This variant disrupts the p.Arg238 amino acid residue in TPM1. Other variant(s) that disrupt this residue have been observed in individuals with TPM1-related conditions (Invitae), which suggests that this may be a clinically significant amino acid residue. Algorithms developed to predict the effect of missense changes on protein structure and function (SIFT, PolyPhen-2, Align-GVGD) all suggest that this variant is likely to be disruptive. ClinVar contains an entry for this variant (Variation ID: 665938). This missense change has been observed in individual(s) with clinical features of TPM1-related conditions (Invitae). This variant is not present in population databases (gnomAD no frequency). This sequence change replaces arginine, which is basic and polar, with leucine, which is neutral and non-polar, at codon 238 of the TPM1 protein (p.Arg238Leu).

NM_001018005.2(TPM1):c.713G>T (p.Arg238Leu)

Gene: TPM1 (tropomyosin 1; plus strand). Cytogenetic location: 15q22.2.
Variant type: single nucleotide variant.
Coding change: c.713G>T on transcript NM_001018005.2 (MANE Select); coding-DNA position 713, G replaced by T.
Protein change: p.Arg238Leu; replaces arginine 238 with leucine.
Molecular consequence: missense variant.
Genome position (GRCh38, 1-based): chr15:63,062,586, G>T. VCF-style: chr15-63062586-G-T. GRCh37 (hg19) VCF-style: chr15-63354785-G-T.
Other names: c.713G>T, p.Arg238Leu (NM_000366.6, NM_001018004.2, NM_001018006.2 and 6 more transcripts); c.605G>T, p.Arg202Leu (NM_001018008.2, NM_001301289.2, NM_001330344.2 and 5 more transcripts); c.839G>T, p.Arg280Leu (NM_001365778.1); short protein forms R202L, R238L, R280L.
Identifiers: ClinVar variation 665938 (VCV000665938.11), dbSNP rs777716347, ClinGen allele CA392724558.